The following is an entry in ClinVar:

NM_032776.3(JMJD1C):c.6925C>T (p.Arg2309Cys)

Gene: JMJD1C (jumonji domain containing 1C; minus strand). Cytogenetic location: 10q21.3.
Variant type: single nucleotide variant.
Coding change: c.6925C>T on transcript NM_032776.3 (MANE Select); coding-DNA position 6925, C replaced by T.
Protein change: p.Arg2309Cys; replaces arginine 2309 with cysteine.
Molecular consequence: missense variant. On other transcripts: non-coding transcript variant (1).
Genome position (GRCh38, 1-based): chr10:63,184,644, G>A on the plus strand (C>T on the coding strand, the complement: JMJD1C is on the minus strand). VCF-style: chr10-63184644-G-A. GRCh37 (hg19) VCF-style: chr10-64944404-G-A.
Other names: c.6379C>T, p.Arg2127Cys (NM_001282948.2, NM_001318154.2); c.6061C>T, p.Arg2021Cys (NM_001318153.2); c.6811C>T, p.Arg2271Cys (NM_001322252.2); c.6268C>T, p.Arg2090Cys (NM_001322254.2, NM_001322258.2); short protein forms R2090C, R2127C, R2271C, R2021C, R2309C.
Identifiers: ClinVar variation 938630 (VCV000938630.7), dbSNP rs925641366, ClinGen allele CA208352309.

ClinVar aggregate classification (germline): Uncertain significance (1 of 4 stars; one submission).

Conditions:
Early Myoclonic Encephalopathy. Identifiers: MedGen C0270855.

Allele frequency attached by ClinVar (database versions not stated): gnomAD 0.00001; gnomAD exomes 0.00001 and 0.00002.
gnomAD v4.1: 31 of 1,613,566 alleles (0.0019%); highest among the groups gnomAD compares: Non-Finnish European, 0.0024%; no homozygotes.

Submission:

Labcorp Genetics (formerly Invitae), Labcorp
Classification: Uncertain significance for Early Myoclonic Encephalopathy. Last evaluated: 2025-11-28. Review status: criteria provided, single submitter. Criteria: Invitae Variant Classification Sherloc (09022015). Collection method: clinical testing. Allele origin: germline.
Comment: This sequence change replaces arginine, which is basic and polar, with cysteine, which is neutral and slightly polar, at codon 2309 of the JMJD1C protein (p.Arg2309Cys). This variant is present in population databases (no rsID available, gnomAD 0.008%). This variant has not been reported in the literature in individuals affected with JMJD1C-related conditions. ClinVar contains an entry for this variant (Variation ID: 938630). Invitae Evidence Modeling of protein sequence and biophysical properties (such as structural, functional, and spatial information, amino acid conservation, physicochemical variation, residue mobility, and thermodynamic stability) indicates that this missense variant is expected to disrupt JMJD1C protein function with a positive predictive value of 80%. In summary, the available evidence is currently insufficient to determine the role of this variant in disease. Therefore, it has been classified as a Variant of Uncertain Significance.